The following is an entry in ClinVar:

NM_022893.4(BCL11A):c.1311G>A (p.Lys437=)

Gene: BCL11A (BCL11 transcription factor A; minus strand). Cytogenetic location: 2p16.1.
Variant type: single nucleotide variant.
Coding change: c.1311G>A on transcript NM_022893.4 (MANE Select); coding-DNA position 1311, G replaced by A.
Protein change: p.Lys437=; no amino-acid change (lysine 437 retained).
Molecular consequence: synonymous variant. On other transcripts: intron variant (1).
Genome position (GRCh38, 1-based): chr2:60,461,601, C>T on the plus strand (G>A on the coding strand, the complement: BCL11A is on the minus strand). VCF-style: chr2-60461601-C-T. GRCh37 (hg19) VCF-style: chr2-60688736-C-T.
Other names: c.1209G>A, p.Lys403= (NM_001363864.1, NM_001365609.1); c.1311G>A, p.Lys437= (NM_018014.4); c.630+681G>A (NM_138559.2).
Identifiers: ClinVar variation 719898 (VCV000719898.5), dbSNP rs145961985, ClinGen allele CA1671133.
Genomic context (GRCh38, chr2:60,461,601, plus strand): 5'-GCCCACCAAGTCGCTGGTGCCGGGTTCCGGGGAGCTGGCGGTGGAGAGACCGTCGTCGGA[C>T]TTGACCGTCATGGGGGACGATTTGTGCATGTGCGTCTTCATGTGGCGCTTCAGCTTGCTG-3'
Protein context (NP_075044.2, residues 427-447): HMHKSSPMTV[Lys437=]SDDGLSTASS

ClinVar aggregate classification (germline): Likely benign. Review status: criteria provided, multiple submitters, no conflicts (2 of 4 stars). 2 submissions from 2 submitters: Likely benign (2). Last evaluated 2024-11-15.

Conditions:
BCL11A-related disorder. Also called: BCL11A-related condition.

Allele frequency attached by ClinVar (database versions not stated): ESP Exome Variant Server 0.00008; gnomAD 0.00035 and 0.00036; TOPMed 0.00093.
gnomAD v4.1: 184 of 1,613,334 alleles (0.011%); highest among the groups gnomAD compares: Admixed American, 0.11%; 1 homozygote.

Submissions (2):

PreventionGenetics, part of Exact Sciences
Classification: Likely benign for BCL11A-related condition. Last evaluated: 2024-11-15. Review status: criteria provided, single submitter. Criteria: ACMG Guidelines, 2015. Collection method: clinical testing. Allele origin: germline.
Comment: This variant is classified as likely benign based on ACMG/AMP sequence variant interpretation guidelines (Richards et al. 2015 PMID: 25741868, with internal and published modifications).

Labcorp Genetics (formerly Invitae), Labcorp
Classification: Likely benign. Last evaluated: 2019-12-31. Review status: criteria provided, single submitter. Criteria: Invitae Variant Classification Sherloc (09022015). Collection method: clinical testing. Allele origin: germline.